The following is an entry in ClinVar:

NM_006941.4(SOX10):c.490C>T (p.His164Tyr)

Genes: POLR2F (RNA polymerase II, I and III subunit F; plus strand), SOX10 (SRY-box transcription factor 10; minus strand). Cytogenetic location: 22q13.1.
Variant type: single nucleotide variant.
Coding change: c.490C>T on transcript NM_006941.4 (MANE Select); coding-DNA position 490, C replaced by T.
Protein change: p.His164Tyr; replaces histidine 164 with tyrosine.
Molecular consequence: missense variant. On other transcripts: intron variant (3).
Genome position (GRCh38, 1-based): chr22:37,978,074, G>A on the plus strand (C>T on the coding strand, the complement: SOX10 is on the minus strand). VCF-style: chr22-37978074-G-A. GRCh37 (hg19) VCF-style: chr22-38374081-G-A.
Other names: c.*38+5764G>A (NM_001363825.1); c.294-8080G>A (NM_001301130.2); c.293+10904G>A (NM_001301131.2); short protein forms H164Y.
Identifiers: ClinVar variation 3381454 (VCV003381454.1).
Genomic context (GRCh38, chr22:37,978,074, plus strand): 5'-CGGCCTTCCCGTTCTTCCGCCGCCTGGGCTGGTACTTGTAGTCCGGGTGGTCTTTCTTGT[G>A]CTGCATACGGAGCCGCTCAGCCTCCTCGATGAAGGGGCGCTTGTCACTTTCGTTCAGCAG-3'
Protein context (NP_008872.1, residues 154-174): IEEAERLRMQ[His164Tyr]KKDHPDYKYQ

ClinVar aggregate classification (germline): Uncertain significance (1 of 4 stars; one submission).

Submission:

GeneDx
Classification: Uncertain significance. Last evaluated: 2024-05-20. Review status: criteria provided, single submitter. Criteria: GeneDx Variant Classification Process June 2021. Collection method: clinical testing. Allele origin: germline. Affected: yes.
Comment: Not observed at significant frequency in large population cohorts (gnomAD); In silico analysis supports that this missense variant has a deleterious effect on protein structure/function; Has not been previously published as pathogenic or benign to our knowledge